The following is an entry in ClinVar:

ClinVar aggregate classification (germline): Uncertain significance (1 of 4 stars; one submission).

gnomAD v4.1: 6 of 1,614,078 alleles (0.00037%); highest among the groups gnomAD compares: African/African-American, 0.0013%; no homozygotes.

Submission:

Labcorp Genetics (formerly Invitae), Labcorp
Classification: Uncertain significance. Last evaluated: 2026-01-22. Review status: criteria provided, single submitter. Criteria: Invitae Variant Classification Sherloc (09022015). Collection method: clinical testing. Allele origin: germline.
Comment: This sequence change replaces threonine, which is neutral and polar, with isoleucine, which is neutral and non-polar, at codon 976 of the EMC1 protein (p.Thr976Ile). This variant is not present in population databases (gnomAD no frequency). This variant has not been reported in the literature in individuals affected with EMC1-related conditions. ClinVar contains an entry for this variant (Variation ID: 3720167). Invitae Evidence Modeling of protein sequence and biophysical properties (such as structural, functional, and spatial information, amino acid conservation, physicochemical variation, residue mobility, and thermodynamic stability) has been performed for this missense variant. However, the output from this modeling did not meet the statistical confidence thresholds required to predict the impact of this variant on EMC1 protein function. In summary, the available evidence is currently insufficient to determine the role of this variant in disease. Therefore, it has been classified as a Variant of Uncertain Significance.

NM_015047.3(EMC1):c.2927C>T (p.Thr976Ile)

Genes: EMC1 (ER membrane protein complex subunit 1; minus strand), EMC1-AS1 (EMC1 antisense RNA 1; plus strand). Cytogenetic location: 1p36.13.
Variant type: single nucleotide variant.
Coding change: c.2927C>T on transcript NM_015047.3 (MANE Select); coding-DNA position 2927, C replaced by T.
Protein change: p.Thr976Ile; replaces threonine 976 with isoleucine.
Molecular consequence: missense variant.
Genome position (GRCh38, 1-based): chr1:19,219,358, G>A on the plus strand (C>T on the coding strand, the complement: EMC1 is on the minus strand). VCF-style: chr1-19219358-G-A. GRCh37 (hg19) VCF-style: chr1-19545852-G-A.
Other names: c.2924C>T, p.Thr975Ile (NM_001271427.2, NM_001271428.2); c.2861C>T, p.Thr954Ile (NM_001271429.2); c.2936C>T, p.Thr979Ile (NM_001375820.1); c.2933C>T, p.Thr978Ile (NM_001375821.1); short protein forms T979I, T954I, T975I, T976I, T978I.
Identifiers: ClinVar variation 3720167 (VCV003720167.2).